The following is an entry in ClinVar:

NM_017636.4(TRPM4):c.709G>A (p.Asp237Asn)

Gene: TRPM4 (transient receptor potential cation channel subfamily M member 4; plus strand). Cytogenetic location: 19q13.33.
Variant type: single nucleotide variant.
Coding change: c.709G>A on transcript NM_017636.4 (MANE Select); coding-DNA position 709, G replaced by A.
Protein change: p.Asp237Asn; replaces aspartic acid 237 with asparagine.
Molecular consequence: missense variant. On other transcripts: 5 prime UTR variant (2).
Genome position (GRCh38, 1-based): chr19:49,168,649, G>A. VCF-style: chr19-49168649-G-A. GRCh37 (hg19) VCF-style: chr19-49671906-G-A.
Other names: c.709G>A, p.Asp237Asn (NM_001195227.2); c.364G>A, p.Asp122Asn (NM_001321281.2); c.-845G>A (NM_001321282.2); c.187G>A, p.Asp63Asn (NM_001321283.2); c.-141G>A (NM_001321285.2); short protein forms D122N, D63N, D237N.
Identifiers: ClinVar variation 3462134 (VCV003462134.1).

ClinVar aggregate classification (germline): Uncertain significance (1 of 4 stars; one submission).

Conditions:
Cardiovascular phenotype. Identifiers: MedGen CN230736.

gnomAD v4.1: 5 of 1,613,334 alleles (0.00031%); highest among the groups gnomAD compares: South Asian, 0.0011%; no homozygotes.

Submission:

Ambry Genetics
Classification: Uncertain significance for Cardiovascular phenotype. Last evaluated: 2024-06-26. Review status: criteria provided, single submitter. Criteria: Ambry Variant Classification Scheme 2023. Collection method: clinical testing. Allele origin: germline.
Comment: The p.D237N variant (also known as c.709G>A), located in coding exon 6 of the TRPM4 gene, results from a G to A substitution at nucleotide position 709. The aspartic acid at codon 237 is replaced by asparagine, an amino acid with highly similar properties. This amino acid position is conserved. In addition, this alteration is predicted to be tolerated by in silico analysis. Based on the available evidence, the clinical significance of this variant remains unclear.